The following is an entry in ClinVar:

ClinVar aggregate classification (germline): Likely pathogenic. Review status: reviewed by expert panel (3 of 4 stars). 4 submissions from 4 submitters: Likely pathogenic (1). 3 of the submissions do not count toward it. Last evaluated 2025-05-23.

Conditions:
Hereditary breast ovarian cancer syndrome. Also called: BRCA1- and BRCA2-Associated Hereditary Breast and Ovarian Cancer; Hereditary breast and ovarian cancer syndrome (HBOC); Hereditary breast and ovarian cancer syndrome; Breast and ovarian cancer; Hereditary breast and ovarian cancer; Hereditary breast and/or ovarian cancer syndrome. Identifiers: Orphanet 145, MedGen C0677776, MeSH D061325, MONDO:0003582. Disease mechanism: loss of function.
BRCA1-related cancer predisposition. Identifiers: MedGen CN377757, MONDO:0700268.
Hereditary cancer-predisposing syndrome. Also called: Hereditary Cancer Syndrome; Hereditary neoplastic syndrome; Neoplastic Syndromes, Hereditary; Tumor predisposition. Identifiers: Orphanet 140162, MedGen C0027672, MeSH D009386, MONDO:0015356.

Submissions (5):

ClinGen ENIGMA BRCA1 and BRCA2 Variant Curation Expert Panel, ClinGen
Classification: Likely pathogenic for BRCA1-related cancer predisposition. Last evaluated: 2025-05-23. Review status: reviewed by expert panel. Criteria: CSpec BRCA1/2ACMG Rules Specifications V1.2. Collection method: curation. Allele origin: germline. Inheritance: Autosomal dominant inheritance.
Comment: The c.5257A>G variant in BRCA1 is a missense variant predicted to cause substitution of Arg by Gly at amino acid 1753 (p.(Arg1753Gly)). Reported by two calibrated studies to affect protein function similar to pathogenic control variants (PMIDs:30209399, 38709234) (PS3 met). This BRCA1 missense variant is within a key functional domain and the computational predictor BayesDel (noAF) gives a score of 0.36, above the recommended threshold of 0.28 for prediction of impact on BRCA1 function via protein change. A SpliceAI score of 0.0 predicts no impact on splicing (score threshold ≤0.1) (PP3 met). This variant is absent from gnomAD v2.1 (exomes only, non-cancer subset, read depth ≥25) and gnomAD v3.1 (non-cancer subset, read depth ≥25) (PM2_Supporting met). In summary, this variant meets the criteria to be classified as a Likely pathogenic variant for BRCA1-related cancer predisposition based on the ACMG/AMP criteria applied as specified by the ENIGMA BRCA1/2 VCEP (PS3, PP3, PM2_supporting).

Ambry Genetics
Classification: Likely pathogenic for Hereditary cancer-predisposing syndrome. Last evaluated: 2025-06-13. Review status: criteria provided, single submitter. Criteria: Ambry Variant Classification Scheme 2023. Collection method: clinical testing. Allele origin: germline. Not counted in ClinVar's aggregate classification.
Comment: The p.R1753G variant (also known as c.5257A>G), located in coding exon 18 of the BRCA1 gene, results from an A to G substitution at nucleotide position 5257. The arginine at codon 1753 is replaced by glycine, an amino acid with dissimilar properties. Other variant(s) at the same codon, p.R1753I (c.5258G>T), have been identified in individual(s) with features consistent with BRCA1-related cancer predisposition (Findlay GM et al. Nature, 2018 10;562:217-222; Ambry internal data). One functional study found that this nucleotide substitution is non-functional in a high-throughput, genome editing, haploid cell survival assay (Findlay GM et al. Nature, 2018 10;562:217-222). A transcription activation assay found that this variant had <80% activity relative to wildtype and was, thus, considered deleterious (Fernandes VC et al. J Biol Chem, 2019 04;294:5980-5992). This amino acid position is highly conserved in available vertebrate species. In addition, this alteration is predicted to be deleterious by in silico analysis. This variant is considered to be rare based on population cohorts in the Genome Aggregation Database (gnomAD). Based on the majority of available evidence to date, this variant is likely to be pathogenic.

German Consortium for Hereditary Breast and Ovarian Cancer, University Hospital Cologne
Classification: Likely pathogenic for Hereditary breast ovarian cancer syndrome. Last evaluated: 2024-06-11. Review status: criteria provided, single submitter. Criteria: ClinGen BRCA1 V1.0.0. Collection method: curation. Allele origin: germline. Not counted in ClinVar's aggregate classification.
Comment: According to the ClinGen ENIGMA BRCA1 v1.0.0 criteria we chose these criteria: PS3 (strong pathogenic): Reported by two calibrated studies to exhibit protein function similar to pathogenic control variants (PMIDs:30209399 (Findlay, 30765603 Fernandes) (PS3 met), PM2 (supporting pathogenic): absent from gnomAD v2/3/4, PP3 (supporting pathogenic): BayesDel no-AF score 0.358682

Quest Diagnostics Nichols Institute San Juan Capistrano
Classification: Likely pathogenic. Last evaluated: 2019-06-10. Review status: criteria provided, single submitter. Criteria: Quest Diagnostics criteria. Collection method: clinical testing. Allele origin: germline. Not counted in ClinVar's aggregate classification.
Comment: Not found in the total gnomAD dataset, and the data are high quality. Found in at least one symptomatic patient. Conflicting predictions of the effect on the protein. Located in potentially important domain of the protein. One other pathogenic or likely pathogenic variant affects the same amino acid. Assessment of experimental evidence suggests this variant results in abnormal protein function.

Brotman Baty Institute, University of Washington
No classification provided (evidence only). Condition: Breast-ovarian cancer, familial 1. Review status: no classification provided. Collection method: in vitro. Allele origin: not applicable. Functional consequence: functionally_abnormal. Not counted in ClinVar's aggregate classification.
ClinVar note: "not provided" was previously submitted as the classification for the variant. However, the classification appeared to be based only on an observation of functional data so it was converted to no classification on 2025-07-30.

Literature cited by the submitters: PubMed 30209399 (cited by Ambry Genetics); PubMed 30765603 (cited by Ambry Genetics and Quest Diagnostics Nichols Institute San Juan Capistrano).

NM_007294.4(BRCA1):c.5257A>G (p.Arg1753Gly)

Gene: BRCA1 (BRCA1 DNA repair associated; minus strand). Cytogenetic location: 17q21.31.
Variant type: single nucleotide variant.
Coding change: c.5257A>G on transcript NM_007294.4 (MANE Select); coding-DNA position 5257, A replaced by G.
Protein change: p.Arg1753Gly; replaces arginine 1753 with glycine.
Molecular consequence: missense variant. On other transcripts: non-coding transcript variant (1).
Genome position (GRCh38, 1-based): chr17:43,057,072, T>C on the plus strand (A>G on the coding strand, the complement: BRCA1 is on the minus strand). VCF-style: chr17-43057072-T-C. GRCh37 (hg19) VCF-style: chr17-41209089-T-C.
Other names: NM_007294.4(BRCA1):c.5257A>G; p.Arg1753Gly; c.5044A>G, p.Arg1682Gly (NM_001407571.1, NM_001407904.1, NM_001407906.1 and 12 more transcripts); c.5323A>G, p.Arg1775Gly (NM_001407581.1, NM_001407582.1); c.5320A>G, p.Arg1774Gly (NM_001407583.1, NM_001407585.1, NM_001407587.1 and 1 more transcripts); c.5317A>G, p.Arg1773Gly (NM_001407590.1, NM_001407591.1); c.5257A>G, p.Arg1753Gly (NM_001407593.1, NM_001407594.1, NM_001407596.1 and 7 more transcripts); c.5254A>G, p.Arg1752Gly (NM_001407610.1, NM_001407611.1, NM_001407612.1 and 17 more transcripts); and 74 more; short protein forms R1753G, R1706G, R1774G, R649G, R1624G, R1663G, R1684G, R1711G.
Identifiers: ClinVar variation 801086 (VCV000801086.12), dbSNP rs1597810544, ClinGen allele CA10591040.